The following is an entry in ClinVar:

ClinVar aggregate classification (germline): Uncertain significance (1 of 4 stars; one submission).

Conditions:
Cardiomyopathy (CMYO). Also called: Cardiomyopathies. Identifiers: Orphanet 167848, MedGen C0878544, MONDO:0004994, HP:0001638. Inheritance: Various modes of inheritance.

Submission:

Color Diagnostics, LLC DBA Color Health
Classification: Uncertain significance for Cardiomyopathy. Last evaluated: 2025-06-09. Review status: criteria provided, single submitter. Criteria: ACMG Guidelines, 2015. Collection method: clinical testing. Allele origin: germline.
Comment: This missense variant replaces glycine with arginine at codon 3023 of the RYR2 protein. Computational prediction suggests that this variant may have deleterious impact on protein structure and function. To our knowledge, functional studies have not been reported for this variant. This variant has not been reported in individuals affected with RYR2-related disorders in the literature. This variant has not been identified in the general population by the Genome Aggregation Database (gnomAD). The available evidence is insufficient to determine the role of this variant in disease conclusively. Therefore, this variant is classified as a Variant of Uncertain Significance.

NM_001035.3(RYR2):c.9067G>C (p.Gly3023Arg)

Gene: RYR2 (ryanodine receptor 2; plus strand). Cytogenetic location: 1q43.
Variant type: single nucleotide variant.
Coding change: c.9067G>C on transcript NM_001035.3 (MANE Select); coding-DNA position 9067, G replaced by C.
Protein change: p.Gly3023Arg; replaces glycine 3023 with arginine.
Molecular consequence: missense variant.
Genome position (GRCh38, 1-based): chr1:237,687,504, G>C. VCF-style: chr1-237687504-G-C. GRCh37 (hg19) VCF-style: chr1-237850804-G-C.
Other names: short protein forms G3023R.
Identifiers: ClinVar variation 4757210 (VCV004757210.1).